The following is an entry in ClinVar:

NM_001042492.3(NF1):c.7063-10_7063-2del

Gene: NF1 (neurofibromin 1; plus strand). Cytogenetic location: 17q11.2.
Variant type: Deletion.
Coding change: c.7063-10_7063-2del on transcript NM_001042492.3 (MANE Select); 10 bases into the intron before coding-DNA position 7063 through the canonical splice acceptor site of the intron before coding-DNA position 7063, 9 bases deleted (TCTTTAATA; older notation c.7063-10_7063-2delTCTTTAATA).
Molecular consequence: splice acceptor variant.
Genome position (GRCh38, 1-based): chr17:31,342,999-31,343,007, TCTTTAATA deleted; deleting any 9 consecutive bases within chr17:31,342,997-31,343,007 gives the same sequence; the c. name uses the placement nearest the transcript's 3' end. VCF-style (leftmost placement, unchanged base first): chr17-31342996-TTATCTTTAA-T. GRCh37 (hg19) VCF-style: chr17-29670014-TTATCTTTAA-T.
Other names: c.7000-10_7000-2del (NM_000267.4).
Identifiers: ClinVar variation 5038446 (VCV005038446.1).

ClinVar aggregate classification (germline): Likely pathogenic (1 of 4 stars; one submission).

Conditions:
Neurofibromatosis, type 1 (NF1). Also called: VON RECKLINGHAUSEN DISEASE; NEUROFIBROMATOSIS, TYPE I, SOMATIC; Peripheral type neurofibromatosis; Neurofibromatosis, type I. Identifiers: Orphanet 636, MedGen C0027831, MONDO:0018975, OMIM 162200. Disease mechanism: loss of function.

Submission:

Department of Clinical Genetics, Aarhus University Hospital
Classification: Likely pathogenic for Neurofibromatosis, type 1. Last evaluated: 2026-10-01. Review status: criteria provided, single submitter. Criteria: ACMG Guidelines, 2015. Collection method: clinical testing. Allele origin: de novo. Inheritance: Autosomal dominant inheritance. Affected: yes.
Comment: The variant is not present in gnomAD 4.1, and SpliceAI predicts it to affect splicing. Similar variants in same region are classified as likely pathogenic in LOVD3. The phenotype of the patient is specific to neurofibromatosis type 1. PM6, PM2_Supporting, PP3, PP4_strong